The following is an entry in ClinVar:

ClinVar aggregate classification (germline): Pathogenic (1 of 4 stars; one submission).

Submission:

GeneDx
Classification: Pathogenic. Last evaluated: 2017-09-01. Review status: criteria provided, single submitter. Criteria: GeneDx Variant Classification (06012015). Collection method: clinical testing. Allele origin: germline. Affected: yes.
Comment: The c.6712delC pathogenic variant in the NIPBL gene causes a frameshift starting with codon Glutamine 2238, changes this amino acid to a Arginine residue and creates a premature Stop codon at position 27 of the new reading frame, denoted p.Gln2238ArgfsX27. This pathogenic variant is predicted to cause loss of normal protein function either through protein truncation or nonsense-mediated mRNA decay. The c.6712delC variant is not observed in large population cohorts (Lek et al., 2016; 1000 Genomes Consortium et al., 2015; Exome Variant Server). Although this pathogenic variant has not been previously reported to our knowledge, its presence is consistent with the diagnosis of Cornelia de Lange syndrome

NM_133433.4(NIPBL):c.6712del (p.Gln2238fs)

Gene: NIPBL (NIPBL cohesin loading factor; plus strand). Cytogenetic location: 5p13.2.
Variant type: Deletion.
Coding change: c.6712del on transcript NM_133433.4 (MANE Select); coding-DNA position 6712, one base deleted (C; older notation c.6712delC).
Protein change: p.Gln2238fs; shifts the reading frame from glutamine 2238.
Molecular consequence: frameshift variant.
Genome position (GRCh38, 1-based): chr5:37,048,624, C deleted; the last of 2 consecutive C bases (chr5:37,048,623-37,048,624); deleting either gives the same sequence. VCF-style (leftmost placement, unchanged base first): chr5-37048622-TC-T. GRCh37 (hg19) VCF-style: chr5-37048724-TC-T.
Other names: c.6712del, p.Gln2238fs (NM_015384.5); short protein forms Q2238fs.
Identifiers: ClinVar variation 451659 (VCV000451659.2), dbSNP rs1554032826, ClinGen allele CA658657442.